The following is an entry in ClinVar:

NM_000540.3(RYR1):c.14086G>C (p.Asp4696His)

Gene: RYR1 (ryanodine receptor 1; plus strand). Cytogenetic location: 19q13.2.
Variant type: single nucleotide variant.
Coding change: c.14086G>C on transcript NM_000540.3 (MANE Select); coding-DNA position 14086, G replaced by C.
Protein change: p.Asp4696His; replaces aspartic acid 4696 with histidine.
Molecular consequence: missense variant.
Genome position (GRCh38, 1-based): chr19:38,573,264, G>C. VCF-style: chr19-38573264-G-C. GRCh37 (hg19) VCF-style: chr19-39063904-G-C.
Other names: c.14071G>C, p.Asp4691His (NM_001042723.2); short protein forms D4696H, D4691H.
Identifiers: ClinVar variation 583091 (VCV000583091.9), dbSNP rs781575677, ClinGen allele CA405682453.
Genomic context (GRCh38, chr19:38,573,264, plus strand): 5'-AAGGAGCTGGCCCGGAAGCTGGAGTTTGATGGCCTGTACATCACGGAGCAGCCTGAGGAC[G>C]ATGACGTGAAGGGGCAGTGGGACCGACTGGTGCTCAACACGCCGTAAGGACCCAGCCCCC-3'
Protein context (NP_000531.2, residues 4686-4706): GLYITEQPED[Asp4696His]DVKGQWDRLV

ClinVar aggregate classification (germline): Uncertain significance. Review status: criteria provided, multiple submitters, no conflicts (2 of 4 stars). 2 submissions from 2 submitters: Uncertain significance (2). Last evaluated 2025-11-03.

Conditions:
RYR1-related disorder. Also called: RYR1-related disorders; RYR1-related condition. Identifiers: MedGen CN239331.
Malignant hyperthermia, susceptibility to, 1 (MHS1). Also called: RYR1-Related Malignant Hyperthermia Susceptibility; Anesthesia related hyperthermia; Malignant hyperpyrexia; Fulminating hyperpyrexia; Pharmacogenic myopathy; Malignant hyperthermia suceptibility 1. Identifiers: Orphanet 423, MedGen C2930980, MONDO:0007783, OMIM 145600.

gnomAD v4.1: 5 of 1,613,868 alleles (0.00031%); highest among the groups gnomAD compares: South Asian, 0.0011%; no homozygotes.

Submissions (2):

Labcorp Genetics (formerly Invitae), Labcorp
Classification: Uncertain significance for RYR1-related disorder. Last evaluated: 2025-11-03. Review status: criteria provided, single submitter. Criteria: Invitae Variant Classification Sherloc (09022015). Collection method: clinical testing. Allele origin: germline.
Comment: This sequence change replaces aspartic acid, which is acidic and polar, with histidine, which is basic and polar, at codon 4696 of the RYR1 protein (p.Asp4696His). This variant is not present in population databases (gnomAD no frequency). This variant has not been reported in the literature in individuals affected with RYR1-related conditions. ClinVar contains an entry for this variant (Variation ID: 583091). Invitae Evidence Modeling of protein sequence and biophysical properties (such as structural, functional, and spatial information, amino acid conservation, physicochemical variation, residue mobility, and thermodynamic stability) indicates that this missense variant is not expected to disrupt RYR1 protein function with a negative predictive value of 80%. In summary, the available evidence is currently insufficient to determine the role of this variant in disease. Therefore, it has been classified as a Variant of Uncertain Significance.

All of Us Research Program, National Institutes of Health
Classification: Uncertain significance for Malignant hyperthermia, susceptibility to, 1. Last evaluated: 2023-05-04. Review status: criteria provided, single submitter. Criteria: ACMG Guidelines, 2015. Collection method: clinical testing. Allele origin: germline. Inheritance: Autosomal dominant inheritance. Observed: 1 variant allele, 1 heterozygote.
Comment: This missense variant replaces aspartic acid with histidine at codon 4696 of the RYR1 protein. Computational prediction suggests that this variant may have deleterious impact on protein structure and function (internally defined REVEL score threshold >= 0.7, PMID: 27666373). To our knowledge, functional studies have not been reported for this variant. This variant has not been reported in individuals affected with RYR1-related disorders in the literature. This variant has not been identified in the general population by the Genome Aggregation Database (gnomAD). The available evidence is insufficient to determine the role of this variant in disease conclusively. Therefore, this variant is classified as a Variant of Uncertain Significance.

This study involves interpretation of variants in research participants for the purpose of population health screening. Participant phenotype was not available at the time of variant classification. Additional details can be found in publication PMID: 35346344, PMCID: PMC8962531